The following is an entry in ClinVar:

NM_000618.5(IGF1):c.292C>T (p.Arg98Trp)

Genes: IGF1 (insulin like growth factor 1; minus strand), LINC02456 (long intergenic non-protein coding RNA 2456; plus strand). Cytogenetic location: 12q23.2.
Variant type: single nucleotide variant.
Coding change: c.292C>T on transcript NM_000618.5 (MANE Select); coding-DNA position 292, C replaced by T.
Protein change: p.Arg98Trp; replaces arginine 98 with tryptophan.
Molecular consequence: missense variant.
Genome position (GRCh38, 1-based): chr12:102,419,619, G>A on the plus strand (C>T on the coding strand, the complement: IGF1 is on the minus strand). VCF-style: chr12-102419619-G-A. GRCh37 (hg19) VCF-style: chr12-102813397-G-A.
Other names: c.292C>T, p.Arg98Trp (NM_001111283.3, NM_001111285.3); c.244C>T, p.Arg82Trp (NM_001111284.2); short protein forms R98W, R82W.
Identifiers: ClinVar variation 127243 (VCV000127243.10), dbSNP rs587779350, ClinGen allele CA151430.
Genomic context (GRCh38, chr12:102,419,619, plus strand): 5'-CTGACTTGGCAGGCTTGAGGGGTGCGCAATACATCTCCAGCCTCCTTAGATCACAGCTCC[G>A]GAAGCAGCACTCATCCACGATGCCTGTCTGAGGCGCCCTCCGACTGCTGGAGCCATACCC-3'
Protein context (NP_000609.1, residues 88-108): QTGIVDECCF[Arg98Trp]SCDLRRLEMY

ClinVar aggregate classification (germline): Uncertain significance. Review status: criteria provided, single submitter (1 of 4 stars). 2 submissions from 2 submitters: Uncertain significance (1). 1 of the submissions does not count toward it. Last evaluated 2022-03-14.

Conditions:
Growth delay due to insulin-like growth factor type 1 deficiency (IGF1D). Also called: GROWTH RETARDATION WITH SENSORINEURAL DEAFNESS AND MENTAL RETARDATION; IGF1 DEFICIENCY. Identifiers: Orphanet 73272, MedGen C1837475, MONDO:0012110, OMIM 608747.

Allele frequency attached by ClinVar (database versions not stated): gnomAD exomes below 0.00001; TOPMed below 0.00001; gnomAD 0.00001.
gnomAD v4.1: 5 of 1,613,560 alleles (0.00031%); highest among the groups gnomAD compares: Non-Finnish European, 0.00034%; no homozygotes.

Submissions (2):

Labcorp Genetics (formerly Invitae), Labcorp
Classification: Uncertain significance. Last evaluated: 2022-03-14. Review status: criteria provided, single submitter. Criteria: Invitae Variant Classification Sherloc (09022015). Collection method: clinical testing. Allele origin: germline.
Comment: ClinVar contains an entry for this variant (Variation ID: 127243). In summary, the available evidence is currently insufficient to determine the role of this variant in disease. Therefore, it has been classified as a Variant of Uncertain Significance. Algorithms developed to predict the effect of missense changes on protein structure and function (SIFT, PolyPhen-2, Align-GVGD) all suggest that this variant is likely to be disruptive. This missense change has been observed in individual(s) with primordial dwarfism and congenital microcephaly (PMID: 24389050, 30214071). This variant is not present in population databases (gnomAD no frequency). This sequence change replaces arginine, which is basic and polar, with tryptophan, which is neutral and slightly polar, at codon 98 of the IGF1 protein (p.Arg98Trp).

Genomic Medicine Center of Excellence, King Faisal Specialist Hospital and Research Centre
Classification: Pathogenic for Insulin-like growth factor I deficiency. Review status: no assertion criteria provided. Collection method: research. Allele origin: germline. Affected: yes. Study: Genomic Analysis of Primordial Dwarfism Reveals Novel Disease Genes. Not counted in ClinVar's aggregate classification.

Literature cited by the submitters: PubMed 24389050 (cited by Labcorp Genetics (formerly Invitae), Labcorp and Genomic Medicine Center of Excellence, King Faisal Specialist Hospital and Research Centre); PubMed 30214071 (cited by Labcorp Genetics (formerly Invitae), Labcorp).